The following is an entry in ClinVar:

NM_183075.3(CYP2U1):c.762del (p.Phe254fs)

Gene: CYP2U1 (cytochrome P450 family 2 subfamily U member 1; plus strand). Cytogenetic location: 4q25.
Variant type: Deletion.
Coding change: c.762del on transcript NM_183075.3 (MANE Select); coding-DNA position 762, one base deleted (T; older notation c.762delT).
Protein change: p.Phe254fs; shifts the reading frame from phenylalanine 254.
Molecular consequence: frameshift variant.
Genome position (GRCh38, 1-based): chr4:107,945,241, T deleted; the last of 4 consecutive T bases (chr4:107,945,238-107,945,241); deleting any one gives the same sequence. VCF-style (leftmost placement, unchanged base first): chr4-107945237-GT-G. GRCh37 (hg19) VCF-style: chr4-108866393-GT-G.
Other names: short protein forms F254fs.
Identifiers: ClinVar variation 5018815 (VCV005018815.2).
Genomic context (GRCh38, chr4:107,945,237, plus strand): 5'-GCTCCTTGTGCTTTGGCCAGCGCTTTGATTACACTAATAGTGAGTTCAAGAAAATGCTTG[GT>G]TTTATGTCACGAGGCCTAGAAATCTGTCTGAACAGTCAAGTCCTCCTGGTCAACATATGC-3'

ClinVar aggregate classification (germline): Likely pathogenic (1 of 4 stars; one submission).

Conditions:
Hereditary spastic paraplegia 56. Also called: SPASTIC PARAPLEGIA 56, AUTOSOMAL RECESSIVE, WITH OR WITHOUT PSEUDOXANTHOMA ELASTICUM; Spastic Paraplegia 56; Spastic paraplegia 56, autosomal recessive. Identifiers: Orphanet 320411, MedGen C3539507, MONDO:0014015, OMIM 615030.

Submission:

Juno Genomics, Hangzhou Juno Genomics, Inc
Classification: Likely pathogenic for Hereditary spastic paraplegia 56. Review status: criteria provided, single submitter. Criteria: ACMG Guidelines, 2015. Collection method: clinical testing. Allele origin: germline.
Comment: Absent from controls (or at extremely low frequency if recessive) in Genome Aggregation Database.;Null variant in a gene where loss of function (LOF) is a known mechanism of disease.